The following is an entry in ClinVar:

ClinVar aggregate classification (germline): Likely pathogenic (1 of 4 stars; one submission).

Submission:

Labcorp Genetics (formerly Invitae), Labcorp
Classification: Likely pathogenic. Last evaluated: 2024-10-02. Review status: criteria provided, single submitter. Criteria: Invitae Variant Classification Sherloc (09022015). Collection method: clinical testing. Allele origin: germline.
Comment: This sequence change affects an acceptor splice site in intron 4 of the MYSM1 gene. It is expected to disrupt RNA splicing. Variants that disrupt the donor or acceptor splice site typically lead to a loss of protein function (PMID: 16199547), and loss-of-function variants in MYSM1 are known to be pathogenic (PMID: 24288411, 28115216). This variant is not present in population databases (gnomAD no frequency). This variant has not been reported in the literature in individuals affected with MYSM1-related conditions. Algorithms developed to predict the effect of sequence changes on RNA splicing suggest that this variant may disrupt the consensus splice site. In summary, the currently available evidence indicates that the variant is pathogenic, but additional data are needed to prove that conclusively. Therefore, this variant has been classified as Likely Pathogenic.

Literature cited by the submitters: PubMed 16199547; PubMed 24288411; PubMed 28115216.

NM_001085487.3(MYSM1):c.297-2A>C

Gene: MYSM1 (Myb like, SWIRM and MPN domains 1; minus strand). Cytogenetic location: 1p32.1.
Variant type: single nucleotide variant.
Coding change: c.297-2A>C on transcript NM_001085487.3 (MANE Select); the canonical splice acceptor site of the intron before coding-DNA position 297, A replaced by C.
Molecular consequence: splice acceptor variant.
Genome position (GRCh38, 1-based): chr1:58,690,251, T>G on the plus strand (A>C on the coding strand, the complement: MYSM1 is on the minus strand). VCF-style: chr1-58690251-T-G. GRCh37 (hg19) VCF-style: chr1-59155923-T-G.
Identifiers: ClinVar variation 3722012 (VCV003722012.2).